The following is an entry in ClinVar:

NM_001069.3(TUBB2A):c.373G>T (p.Glu125Ter)

Gene: TUBB2A (tubulin beta 2A class IIa; minus strand). Cytogenetic location: 6p25.2.
Variant type: single nucleotide variant.
Coding change: c.373G>T on transcript NM_001069.3 (MANE Select); coding-DNA position 373, G replaced by T.
Protein change: p.Glu125Ter; replaces glutamic acid 125 with a stop codon.
Molecular consequence: nonsense.
Genome position (GRCh38, 1-based): chr6:3,154,828, C>A on the plus strand (G>T on the coding strand, the complement: TUBB2A is on the minus strand). VCF-style: chr6-3154828-C-A. GRCh37 (hg19) VCF-style: chr6-3155062-C-A.
Other names: c.118G>T, p.Glu40Ter (NM_001310315.2); short protein forms E125*, E40*.
Identifiers: ClinVar variation 4083373 (VCV004083373.1).

ClinVar aggregate classification (germline): Uncertain significance (1 of 4 stars; one submission).

Submission:

GeneDx
Classification: Uncertain significance. Last evaluated: 2025-03-10. Review status: criteria provided, single submitter. Criteria: GeneDx Variant Classification Process June 2021. Collection method: clinical testing. Allele origin: germline. Affected: yes.
Comment: Not observed at significant frequency in large population cohorts (gnomAD); Nonsense variant predicted to result in protein truncation as the last 321 amino acids are lost; Has not been previously published as pathogenic or benign to our knowledge